The following is an entry in ClinVar:

NM_001793.6(CDH3):c.46-1G>C

Genes: CDH3 (cadherin 3; plus strand), CDH3-AS1 (CDH3 antisense RNA 1; minus strand). Cytogenetic location: 16q22.1.
Variant type: single nucleotide variant.
Coding change: c.46-1G>C on transcript NM_001793.6 (MANE Select); the canonical splice acceptor site of the intron before coding-DNA position 46, G replaced by C.
Molecular consequence: splice acceptor variant. On other transcripts: intron variant (1).
Genome position (GRCh38, 1-based): chr16:68,645,635, G>C. VCF-style: chr16-68645635-G-C. GRCh37 (hg19) VCF-style: chr16-68679538-G-C.
Other names: c.-6+211G>C (NM_001317196.2); c.46-1G>C (NM_001317195.3).
Identifiers: ClinVar variation 1473340 (VCV001473340.8), dbSNP rs2152087452, ClinGen allele CA396455150.

ClinVar aggregate classification (germline): Likely pathogenic (1 of 4 stars; one submission).

gnomAD v4.1: 1 of 1,541,550 alleles (0.000065%); highest among the groups gnomAD compares: Non-Finnish European, 0.000087%; no homozygotes.

Submission:

Labcorp Genetics (formerly Invitae), Labcorp
Classification: Likely pathogenic. Last evaluated: 2021-01-30. Review status: criteria provided, single submitter. Criteria: Invitae Variant Classification Sherloc (09022015). Collection method: clinical testing. Allele origin: germline.
Comment: In summary, the currently available evidence indicates that the variant is pathogenic, but additional data are needed to prove that conclusively. Therefore, this variant has been classified as Likely Pathogenic. Algorithms developed to predict the effect of sequence changes on RNA splicing suggest that this variant may disrupt the consensus splice site, but this prediction has not been confirmed by published transcriptional studies. This variant has not been reported in the literature in individuals with CDH3-related conditions. The frequency data for this variant in the population databases is considered unreliable, as metrics indicate insufficient coverage at this position in the ExAC database. This sequence change affects an acceptor splice site in intron 1 of the CDH3 gene. It is expected to disrupt RNA splicing. Variants that disrupt the donor or acceptor splice site typically lead to a loss of protein function (PMID: 16199547), and loss-of-function variants in CDH3 are known to be pathogenic (PMID: 15805154, 27386845, 29620724).

Literature cited by the submitters: PubMed 16199547; PubMed 15805154; PubMed 27386845; PubMed 29620724.